The following is an entry in ClinVar:

ClinVar aggregate classification (germline): Pathogenic (1 of 4 stars; one submission).

Submission:

Labcorp Genetics (formerly Invitae), Labcorp
Classification: Pathogenic. Last evaluated: 2025-07-02. Review status: criteria provided, single submitter. Criteria: Invitae Variant Classification Sherloc (09022015). Collection method: clinical testing. Allele origin: germline.
Comment: This sequence change creates a premature translational stop signal (p.Ile785*) in the TMPRSS15 gene. It is expected to result in an absent or disrupted protein product. Loss-of-function variants in TMPRSS15 are known to be pathogenic (PMID: 11719902). This variant is not present in population databases (gnomAD no frequency). This variant has not been reported in the literature in individuals affected with TMPRSS15-related conditions. For these reasons, this variant has been classified as Pathogenic.

Literature cited by the submitters: PubMed 11719902.

NM_002772.3(TMPRSS15):c.2353_2366del (p.Lys784_Ile785insTer)

Gene: TMPRSS15 (transmembrane serine protease 15; minus strand). Cytogenetic location: 21q21.1.
Variant type: Deletion.
Coding change: c.2353_2366del on transcript NM_002772.3 (MANE Select); coding-DNA positions 2353 to 2366, 14 bases deleted (ATTGTTGGAGGAAG).
Protein change: p.Lys784_Ile785insTer.
Molecular consequence: nonsense.
Genome position (GRCh38, 1-based): chr21:18,294,390-18,294,403, CTTCCTCCAACAAT deleted on the plus strand (ATTGTTGGAGGAAG on the coding strand, the reverse complement: TMPRSS15 is on the minus strand); deleting any 14 consecutive bases within chr21:18,294,390-18,294,406 gives the same sequence; the c. name uses the placement nearest the transcript's 3' end. VCF-style (leftmost placement, unchanged base first): chr21-18294389-ACTTCCTCCAACAAT-A. GRCh37 (hg19) VCF-style: chr21-19666706-ACTTCCTCCAACAAT-A.
Other names: c.2488_2501del, p.Lys829_Ile830insTer (NM_001428056.1); c.2353_2366del, p.Lys784_Ile785insTer (NM_001428057.1).
Identifiers: ClinVar variation 4771996 (VCV004771996.1).